The following is an entry in ClinVar:

NM_152743.4(BRAT1):c.280C>T (p.Gln94Ter)

Gene: BRAT1 (BRCA1 associated ATM activator 1; minus strand). Cytogenetic location: 7p22.3.
Variant type: single nucleotide variant.
Coding change: c.280C>T on transcript NM_152743.4 (MANE Select); coding-DNA position 280, C replaced by T.
Protein change: p.Gln94Ter; replaces glutamine 94 with a stop codon.
Molecular consequence: nonsense. On other transcripts: 5 prime UTR variant (1), non-coding transcript variant (1).
Genome position (GRCh38, 1-based): chr7:2,547,326, G>A on the plus strand (C>T on the coding strand, the complement: BRAT1 is on the minus strand). VCF-style: chr7-2547326-G-A. GRCh37 (hg19) VCF-style: chr7-2586960-G-A.
Other names: c.280C>T, p.Gln94Ter (NM_001350626.2); c.-98C>T (NM_001350627.2); short protein forms Q94*.
Identifiers: ClinVar variation 1957621 (VCV001957621.5), dbSNP rs2534448374, ClinGen allele CA366633065.

ClinVar aggregate classification (germline): Pathogenic (1 of 4 stars; one submission).

Conditions:
Neonatal-onset encephalopathy with rigidity and seizures. Also called: Lethal neonatal spasticity-epileptic encephalopathy syndrome. Identifiers: Orphanet 435845, MedGen C3281029, MONDO:0013784, OMIM 614498.

Submission:

Labcorp Genetics (formerly Invitae), Labcorp
Classification: Pathogenic for Neonatal-onset encephalopathy with rigidity and seizures. Last evaluated: 2022-09-13. Review status: criteria provided, single submitter. Criteria: Invitae Variant Classification Sherloc (09022015). Collection method: clinical testing. Allele origin: germline.
Comment: This sequence change creates a premature translational stop signal (p.Gln94*) in the BRAT1 gene. It is expected to result in an absent or disrupted protein product. Loss-of-function variants in BRAT1 are known to be pathogenic (PMID: 22279524, 25500575). This variant is not present in population databases (gnomAD no frequency). This variant has not been reported in the literature in individuals affected with BRAT1-related conditions. For these reasons, this variant has been classified as Pathogenic.

Literature cited by the submitters: PubMed 22279524; PubMed 25500575.